The following is an entry in ClinVar:

NM_004006.3(DMD):c.9974+175T>A

Gene: DMD (dystrophin; minus strand). Cytogenetic location: Xp21.2.
Variant type: single nucleotide variant.
Coding change: c.9974+175T>A on transcript NM_004006.3 (MANE Select); 175 bases into the intron after coding-DNA position 9974, T replaced by A.
Molecular consequence: intron variant.
Genome position (GRCh38, 1-based): chrX:31,182,563, A>T on the plus strand (T>A on the coding strand, the complement: DMD is on the minus strand). VCF-style: chrX-31182563-A-T. GRCh37 (hg19) VCF-style: chrX-31200680-A-T.
Other names: c.9950+175T>A (NM_000109.4); c.5951+175T>A (NM_004011.4); c.5942+175T>A (NM_004012.4); c.2594+175T>A (NM_004023.3, NM_004020.4, NM_004022.3 and 2 more transcripts); c.1787+175T>A (NM_004014.3); c.770+175T>A (NM_004018.3, NM_004017.3, NM_004016.3 and 2 more transcripts); c.9962+175T>A (NM_004009.3); c.9605+175T>A (NM_004010.3).
Identifiers: ClinVar variation 638586 (VCV000638586.4), dbSNP rs1602451773, ClinGen allele CA915950861.

ClinVar aggregate classification (germline): Pathogenic/Likely pathogenic. Review status: criteria provided, multiple submitters, no conflicts (2 of 4 stars). 2 submissions from 2 submitters: Pathogenic (1); Likely pathogenic (1). Last evaluated 2025-11-03.

Conditions:
Duchenne muscular dystrophy (DMD). Also called: MUSCULAR DYSTROPHY, PSEUDOHYPERTROPHIC PROGRESSIVE, DUCHENNE TYPE; Duchenne Muscular Dystrophy (DMD). Identifiers: Orphanet 98896, MedGen C0013264, MONDO:0010679, OMIM 310200.

Submissions (2):

3billion
Classification: Likely pathogenic for Duchenne muscular dystrophy. Last evaluated: 2025-11-03. Review status: criteria provided, single submitter. Criteria: ACMG Guidelines, 2015. Collection method: clinical testing. Allele origin: germline. Affected: yes.
Comment: The variant is not observed in the gnomAD v4.1.0 dataset. Predicted Consequence/Location: Intron variant In silico tools predict the variant to alter splicing and produce an abnormal transcript [SpliceAI: 0.54 (>=0.2, moderate evidence for spliceogenicity)]. The variant has been previously reported as de novo in a similarly affected individual (PMID: 31607746). The variant has been reported to be associated with DMD-related disorder (ClinVar ID: VCV000638586 /PMID: 31607746 /3billion dataset). Therefore, this variant is classified as Likely pathogenic according to the recommendation of ACMG/AMP guideline.

Undiagnosed Diseases Network, NIH
Classification: Pathogenic for Duchenne muscular dystrophy. Last evaluated: 2019-03-05. Review status: criteria provided, single submitter. Criteria: ACMG Guidelines, 2015. Collection method: clinical testing. Allele origin: de novo. Inheritance: X-linked inheritance. Affected: yes. Observed: 1 variant allele, 1 hemizygote. Study: Undiagnosed Diseases Network (NIH), UDN.

Literature cited by the submitters: PubMed 31607746 (cited by 3billion).